The following is an entry in ClinVar:

NM_015202.5(KATNIP):c.576A>G (p.Leu192=)

Gene: KATNIP (katanin interacting protein; plus strand). Cytogenetic location: 16p12.1.
Variant type: single nucleotide variant.
Coding change: c.576A>G on transcript NM_015202.5 (MANE Select); coding-DNA position 576, A replaced by G.
Protein change: p.Leu192=; no amino-acid change (leucine 192 retained).
Molecular consequence: synonymous variant.
Genome position (GRCh38, 1-based): chr16:27,677,764, A>G. VCF-style: chr16-27677764-A-G. GRCh37 (hg19) VCF-style: chr16-27689085-A-G.
Identifiers: ClinVar variation 3352826 (VCV003352826.1).
Genomic context (GRCh38, chr16:27,677,764, plus strand): 5'-CATCTCTCTTCTGGGCTTTTTGCAGGAGCTGAGAAGAAGCCTGGAACTTAGTGTAAATCT[A>G]CAAAGGAAACAAAAGGATTGTTCCAGCGATGAGTATGACTCTATTGAGGAAGACATACTC-3'
Protein context (NP_056017.4, residues 182-202): LRRSLELSVN[Leu192=]QRKQKDCSSD

ClinVar aggregate classification (germline): Likely benign (0 of 4 stars; one submission).

Conditions:
KATNIP-related disorder. Also called: KATNIP-related condition.

gnomAD v4.1: 4 of 1,613,212 alleles (0.00025%); highest among the groups gnomAD compares: Non-Finnish European, 0.00034%; no homozygotes.

Submission:

PreventionGenetics, part of Exact Sciences
Classification: Likely benign for KATNIP-related condition. Last evaluated: 2019-02-27. Review status: no assertion criteria provided. Collection method: clinical testing. Allele origin: germline.
Comment: This variant is classified as likely benign based on ACMG/AMP sequence variant interpretation guidelines (Richards et al. 2015 PMID: 25741868, with internal and published modifications).